The following is an entry in ClinVar:

ClinVar aggregate classification (germline): Conflicting classifications of pathogenicity. Review status: criteria provided, conflicting classifications (1 of 4 stars). 3 submissions from 3 submitters: Uncertain significance (2); Likely benign (1). Last evaluated 2023-07-13.

Conditions:
Hereditary breast ovarian cancer syndrome. Also called: Hereditary breast and ovarian cancer syndrome (HBOC); BRCA1- and BRCA2-Associated Hereditary Breast and Ovarian Cancer; Hereditary breast and ovarian cancer syndrome; Breast and ovarian cancer; Hereditary breast and ovarian cancer; Hereditary breast and/or ovarian cancer syndrome. Identifiers: Orphanet 145, MedGen C0677776, MeSH D061325, MONDO:0003582. Disease mechanism: loss of function.
Hereditary cancer-predisposing syndrome. Also called: Hereditary neoplastic syndrome; Neoplastic Syndromes, Hereditary; Tumor predisposition; Hereditary Cancer Syndrome. Identifiers: Orphanet 140162, MedGen C0027672, MeSH D009386, MONDO:0015356.

Submissions (3):

Ambry Genetics
Classification: Uncertain significance for Hereditary cancer-predisposing syndrome. Last evaluated: 2023-07-13. Review status: criteria provided, single submitter. Criteria: Ambry Variant Classification Scheme 2023. Collection method: clinical testing. Allele origin: germline.
Comment: The p.E1250D variant (also known as c.3750G>T), located in coding exon 9 of the BRCA1 gene, results from a G to T substitution at nucleotide position 3750. The glutamic acid at codon 1250 is replaced by aspartic acid, an amino acid with highly similar properties. This amino acid position is not well conserved in available vertebrate species. In addition, the in silico prediction for this alteration is inconclusive. Since supporting evidence is limited at this time, the clinical significance of this alteration remains unclear.

University of Washington Department of Laboratory Medicine, University of Washington
Classification: Likely benign for Hereditary cancer-predisposing syndrome. Last evaluated: 2023-03-23. Review status: criteria provided, single submitter. Criteria: Dines et al. (Genet Med. 2020). Collection method: curation. Allele origin: germline.
Comment: Missense variant in a coldspot region where missense variants are very unlikely to be pathogenic (PMID:31911673).

BRCA1 coldspot (exon 11 using historical exon numbering). Reclassification based on statistical prior probability

Labcorp Genetics (formerly Invitae), Labcorp
Classification: Uncertain significance for Hereditary breast ovarian cancer syndrome. Last evaluated: 2017-11-04. Review status: criteria provided, single submitter. Criteria: Invitae Variant Classification Sherloc (09022015). Collection method: clinical testing. Allele origin: germline.
Comment: This variant is not present in population databases (ExAC no frequency). This sequence change replaces glutamic acid with aspartic acid at codon 1250 of the BRCA1 protein (p.Glu1250Asp). The glutamic acid residue is moderately conserved and there is a small physicochemical difference between glutamic acid and aspartic acid. This variant has not been reported in the literature in individuals with BRCA1-related disease. In summary, the available evidence is currently insufficient to determine the role of this variant in disease. Therefore, it has been classified as a Variant of Uncertain Significance. Algorithms developed to predict the effect of missense changes on protein structure and function output the following: SIFT: "Tolerated"; PolyPhen-2: "Benign"; Align-GVGD: "Class C0". The aspartic acid amino acid residue is found in multiple mammalian species, suggesting that this missense change does not adversely affect protein function. These predictions have not been confirmed by published functional studies and their clinical significance is uncertain.

NM_007294.4(BRCA1):c.3750G>T (p.Glu1250Asp)

Genes: BRCA1 (BRCA1 DNA repair associated; minus strand), LOC126862571 (BRD4-independent group 4 enhancer GRCh37_chr17:41243136-41244335; plus strand). Cytogenetic location: 17q21.31.
Variant type: single nucleotide variant.
Coding change: c.3750G>T on transcript NM_007294.4 (MANE Select); coding-DNA position 3750, G replaced by T.
Protein change: p.Glu1250Asp; replaces glutamic acid 1250 with aspartic acid.
Molecular consequence: missense variant. On other transcripts: intron variant (135).
Genome position (GRCh38, 1-based): chr17:43,091,781, C>A on the plus strand (G>T on the coding strand, the complement: BRCA1 is on the minus strand). VCF-style: chr17-43091781-C-A. GRCh37 (hg19) VCF-style: chr17-41243798-C-A.
Other names: c.3609G>T, p.Glu1203Asp (NM_001407724.1, NM_001407725.1, NM_001407726.1 and 29 more transcripts); c.3750G>T, p.Glu1250Asp (NM_001407859.1, NM_001407581.1, NM_001407582.1 and 30 more transcripts); c.3747G>T, p.Glu1249Asp (NM_001407860.1, NM_001407861.1, NM_001407587.1 and 22 more transcripts); c.785-749G>T (NM_001408400.1, NM_001408392.1, NM_001407986.1 and 13 more transcripts); c.665-749G>T (NM_001408441.1, NM_001408437.1, NM_001408429.1 and 12 more transcripts); c.3546G>T, p.Glu1182Asp (NM_001407874.1, NM_001407875.1); c.3540G>T, p.Glu1180Asp (NM_001407879.1, NM_001407881.1, NM_001407882.1 and 13 more transcripts); c.3549G>T, p.Glu1183Asp (NM_001407862.1); and 41 more; short protein forms E1250D, E1203D, E1138D, E1139D, E1162D, E1180D, E1208D, E1224D.
Identifiers: ClinVar variation 531374 (VCV000531374.14), dbSNP rs145903082, ClinGen allele CA10594471.